The following is an entry in ClinVar:

NM_004329.3(BMPR1A):c.1255A>G (p.Lys419Glu)

Gene: BMPR1A (bone morphogenetic protein receptor type 1A; plus strand). Cytogenetic location: 10q23.2.
Variant type: single nucleotide variant.
Coding change: c.1255A>G on transcript NM_004329.3 (MANE Select); coding-DNA position 1255, A replaced by G.
Protein change: p.Lys419Glu; replaces lysine 419 with glutamic acid.
Molecular consequence: missense variant.
Genome position (GRCh38, 1-based): chr10:86,921,608, A>G. VCF-style: chr10-86921608-A-G. GRCh37 (hg19) VCF-style: chr10-88681365-A-G.
Other names: c.1255A>G, p.Lys419Glu (NM_001406574.1, NM_001406575.1, NM_001406576.1 and 19 more transcripts); c.1249A>G, p.Lys417Glu (NM_001406583.1); c.1330A>G, p.Lys444Glu (NM_001406559.1); c.1303A>G, p.Lys435Glu (NM_001406560.1); c.1171A>G, p.Lys391Glu (NM_001406584.1, NM_001406585.1, NM_001406586.1 and 2 more transcripts); c.913A>G, p.Lys305Glu (NM_001406589.1); short protein forms K419E, K435E, K305E, K417E, K444E, K391E.
Identifiers: ClinVar variation 1761632 (VCV001761632.7), dbSNP rs2133607319, ClinGen allele CA377462122.

ClinVar aggregate classification (germline): Uncertain significance. Review status: criteria provided, multiple submitters, no conflicts (2 of 4 stars). 4 submissions from 4 submitters: Uncertain significance (4). Last evaluated 2025-11-25.

Conditions:
Juvenile polyposis syndrome (JPS). Identifiers: Orphanet 2929, MedGen C0345893, MONDO:0017380, OMIM 174900.
Hereditary cancer-predisposing syndrome. Also called: Neoplastic Syndromes, Hereditary; Tumor predisposition; Hereditary neoplastic syndrome; Hereditary Cancer Syndrome. Identifiers: Orphanet 140162, MedGen C0027672, MeSH D009386, MONDO:0015356.
Familial meningioma. Also called: Meningioma, familial, susceptibility to. Identifiers: Orphanet 263662, MedGen C3551915, MONDO:0011789, OMIM 607174.

Allele frequency attached by ClinVar (database versions not stated): gnomAD exomes below 0.00001.
gnomAD v4.1: 2 of 1,614,202 alleles (0.00012%); highest among the groups gnomAD compares: Non-Finnish European, 0.00017%; no homozygotes.

Submissions (4):

Labcorp Genetics (formerly Invitae), Labcorp
Classification: Uncertain significance for Juvenile polyposis syndrome. Last evaluated: 2025-11-25. Review status: criteria provided, single submitter. Criteria: Invitae Variant Classification Sherloc (09022015). Collection method: clinical testing. Allele origin: germline.
Comment: This sequence change replaces lysine, which is basic and polar, with glutamic acid, which is acidic and polar, at codon 419 of the BMPR1A protein (p.Lys419Glu). This variant is not present in population databases (gnomAD no frequency). This variant has not been reported in the literature in individuals affected with BMPR1A-related conditions. ClinVar contains an entry for this variant (Variation ID: 1761632). Invitae Evidence Modeling of protein sequence and biophysical properties (such as structural, functional, and spatial information, amino acid conservation, physicochemical variation, residue mobility, and thermodynamic stability) indicates that this missense variant is not expected to disrupt BMPR1A protein function with a negative predictive value of 80%. In summary, the available evidence is currently insufficient to determine the role of this variant in disease. Therefore, it has been classified as a Variant of Uncertain Significance.

Dr. Guy Rouleau's laboratory, McGill University
Classification: Uncertain significance for Familial meningioma. Last evaluated: 2025-03-22. Review status: criteria provided, single submitter. Criteria: ACMG Guidelines, 2015. Collection method: research. Allele origin: germline. Affected: yes.
Comment: This missense variant located at the position 419, is change from Lysine (K), basic amino acid to Glutamic acid (E) an acidic amino acid in BMPR1A gene. This variant has not been reported population database (gnomAD v.4.1.0 no frequency, exome coverage 96X). Based on the available evidence, the clinical significance of this variant is unknown.

All of Us Research Program, National Institutes of Health
Classification: Uncertain significance for Juvenile polyposis syndrome. Last evaluated: 2024-01-11. Review status: criteria provided, single submitter. Criteria: ACMG Guidelines, 2015. Collection method: clinical testing. Allele origin: germline. Inheritance: Autosomal dominant inheritance. Observed: 1 variant allele, 1 heterozygote.
Comment: This study involves interpretation of variants in research participants for the purpose of population health screening. Participant phenotype was not available at the time of variant classification. Additional details can be found in publication PMID: 35346344, PMCID: PMC8962531

Ambry Genetics
Classification: Uncertain significance for Hereditary cancer-predisposing syndrome. Last evaluated: 2021-07-29. Review status: criteria provided, single submitter. Criteria: Ambry Variant Classification Scheme 2023. Collection method: clinical testing. Allele origin: germline.
Comment: The p.K419E variant (also known as c.1255A>G), located in coding exon 9 of the BMPR1A gene, results from an A to G substitution at nucleotide position 1255. The lysine at codon 419 is replaced by glutamic acid, an amino acid with similar properties. This amino acid position is well conserved in available vertebrate species. In addition, the in silico prediction for this alteration is inconclusive. Since supporting evidence is limited at this time, the clinical significance of this alteration remains unclear.